The following is an entry in ClinVar:

ClinVar aggregate classification (germline): Pathogenic/Likely pathogenic. Review status: criteria provided, multiple submitters, no conflicts (2 of 4 stars). 2 submissions from 2 submitters: Pathogenic (1); Likely pathogenic (1). Last evaluated 2024-07-09.

Conditions:
DICER1-related tumor predisposition. Also called: DICER1-related pleuropulmonary blastoma cancer predisposition syndrome; DICER1 syndrome. Identifiers: Orphanet 284343, MedGen C3839822, MONDO:0100216.

Submissions (2):

Labcorp Genetics (formerly Invitae), Labcorp
Classification: Pathogenic for DICER1-related tumor predisposition. Last evaluated: 2024-07-09. Review status: criteria provided, single submitter. Criteria: Invitae Variant Classification Sherloc (09022015). Collection method: clinical testing. Allele origin: germline.
Comment: This sequence change creates a premature translational stop signal (p.Pro613Hisfs*4) in the DICER1 gene. It is expected to result in an absent or disrupted protein product. Loss-of-function variants in DICER1 are known to be pathogenic (PMID: 19556464, 21266384). This variant is not present in population databases (gnomAD no frequency). This variant has not been reported in the literature in individuals affected with DICER1-related conditions. ClinVar contains an entry for this variant (Variation ID: 690438). For these reasons, this variant has been classified as Pathogenic.

PreventionGenetics, part of Exact Sciences
Classification: Likely pathogenic. Last evaluated: 2015-07-30. Review status: criteria provided, single submitter. Criteria: ACMG Guidelines, 2015. Collection method: clinical testing. Allele origin: germline.

Literature cited by the submitters: PubMed 19556464 (cited by Labcorp Genetics (formerly Invitae), Labcorp); PubMed 21266384 (cited by Labcorp Genetics (formerly Invitae), Labcorp).

NM_177438.3(DICER1):c.1836del (p.Pro613fs)

Gene: DICER1 (dicer 1, ribonuclease III; minus strand). Cytogenetic location: 14q32.13.
Variant type: Deletion.
Coding change: c.1836del on transcript NM_177438.3 (MANE Select); coding-DNA position 1836, one base deleted (A; older notation c.1836delA).
Protein change: p.Pro613fs; shifts the reading frame from proline 613.
Molecular consequence: frameshift variant.
Genome position (GRCh38, 1-based): chr14:95,115,738, T deleted on the plus strand (A on the coding strand, the reverse complement: DICER1 is on the minus strand). VCF-style (leftmost placement, unchanged base first): chr14-95115737-GT-G. GRCh37 (hg19) VCF-style: chr14-95582074-GT-G.
Other names: c.1836del, p.Pro613fs (NM_001195573.1, NM_001271282.3, NM_001291628.2 and 1 more transcripts); short protein forms P613fs.
Identifiers: ClinVar variation 690438 (VCV000690438.6), dbSNP rs1595406359, ClinGen allele CA915946408.